The following is an entry in ClinVar:

ClinVar aggregate classification (germline): Pathogenic (1 of 4 stars; one submission).

Conditions:
Chromosome 2q32-q33 deletion syndrome (GLASS). Also called: Glass syndrome; 2q33.1 deletion syndrome. Identifiers: Orphanet 251019, MedGen C2676739, MONDO:0012864, OMIM 612313.

Submission:

Labcorp Genetics (formerly Invitae), Labcorp
Classification: Pathogenic for Chromosome 2q32-q33 deletion syndrome. Last evaluated: 2021-02-24. Review status: criteria provided, single submitter. Criteria: Invitae Variant Classification Sherloc (09022015). Collection method: clinical testing. Allele origin: germline.
Comment: This sequence change results in a premature translational stop signal in the SATB2 gene (p.Tyr668Glufs*14). While this is not anticipated to result in nonsense mediated decay, it is expected to disrupt the last 66 amino acids of the SATB2 protein. For these reasons, this variant has been classified as Pathogenic. This variant disrupts the C-terminus of the SATB2 protein. Other variant(s) that disrupt this region (p.Glu692*) have been determined to be pathogenic (PMID: 28151491). This suggests that variants that disrupt this region of the protein are likely to be causative of disease. This variant has not been reported in the literature in individuals with SATB2-related conditions. ClinVar contains an entry for this variant (Variation ID: 840533). This variant is not present in population databases (ExAC no frequency).

Literature cited by the submitters: PubMed 28151491.

NM_001172509.2(SATB2):c.2002_2021del (p.Tyr668fs)

Genes: SATB2 (SATB homeobox 2; minus strand), LOC126806462 (MED14-independent group 3 enhancer GRCh37_chr2:200136608-200137807; plus strand). Cytogenetic location: 2q33.1.
Variant type: Deletion.
Coding change: c.2002_2021del on transcript NM_001172509.2 (MANE Select); coding-DNA positions 2002 to 2021, 20 bases deleted (TACCACGTGAAGCACCACGG).
Protein change: p.Tyr668fs; shifts the reading frame from tyrosine 668.
Molecular consequence: frameshift variant.
Genome position (GRCh38, 1-based): chr2:199,272,392-199,272,411, CCGTGGTGCTTCACGTGGTA deleted on the plus strand (TACCACGTGAAGCACCACGG on the coding strand, the reverse complement: SATB2 is on the minus strand); deleting any 20 consecutive bases within chr2:199,272,392-199,272,414 gives the same sequence; the c. name uses the placement nearest the transcript's 3' end. VCF-style (leftmost placement, unchanged base first): chr2-199272391-CCCGTGGTGCTTCACGTGGTA-C. GRCh37 (hg19) VCF-style: chr2-200137114-CCCGTGGTGCTTCACGTGGTA-C.
Other names: c.2002_2021del, p.Tyr668fs (NM_001172517.1, NM_015265.4); short protein forms Y668fs.
Identifiers: ClinVar variation 840533 (VCV000840533.10), dbSNP rs1692186575, ClinGen allele CA916082270.
Genomic context (GRCh38, chr2:199,272,391, plus strand): 5'-CAGCTCCTCGTCCTTATATTCAGCCACGTCCACCGCGGAGCCCAGGTGCTCTTTCAGCTT[CCCGTGGTGCTTCACGTGGTA>C]CCGCTGGTTCTGGAAGAACTTGATGATGGTGTGTTTGGGGAGATCCAGCTGAGCCGAAAG-3'